The following is an entry in ClinVar:

NM_002485.5(NBN):c.1566_1568del (p.Leu522del)

Gene: NBN (nibrin; minus strand). Cytogenetic location: 8q21.3.
Variant type: Deletion.
Coding change: c.1566_1568del on transcript NM_002485.5 (MANE Select); coding-DNA positions 1566 to 1568, 3 bases deleted (ATT; older notation c.1566_1568delATT).
Protein change: p.Leu522del; deletes leucine 522.
Molecular consequence: inframe deletion.
Genome position (GRCh38, 1-based): chr8:89,953,521-89,953,523, AAT deleted on the plus strand (ATT on the coding strand, the reverse complement: NBN is on the minus strand); deleting any 3 consecutive bases within chr8:89,953,521-89,953,525 gives the same sequence; the c. name uses the placement nearest the transcript's 3' end. VCF-style (leftmost placement, unchanged base first): chr8-89953520-AAAT-A. GRCh37 (hg19) VCF-style: chr8-90965748-AAAT-A.
Other names: c.1320_1322del, p.Leu440del (NM_001024688.3); short protein forms L440del, L522del.
Identifiers: ClinVar variation 2091959 (VCV002091959.4), dbSNP rs2488232396, ClinGen allele CA2580079066.
Genomic context (GRCh38, chr8:89,953,520, plus strand): 5'-TTCTGCAGCATGAGATTTACTGGCAGAATTTTTCACAATAGATTTTAAATCTGTATCTGT[AAAT>A]AAGTTATTGTCTGAGTTTGTGTCCACAGGCTCATTCTCAGATAGATGCTGCTCCTTATTT-3'

ClinVar aggregate classification (germline): Uncertain significance (1 of 4 stars; one submission).

Conditions:
Microcephaly, normal intelligence and immunodeficiency (NBS). Also called: Immunodeficiency, microcephaly with normal intelligence; Ataxia telangiectasia variant V1; BERLIN BREAKAGE SYNDROME; Nijmegen breakage syndrome; Microcephaly with normal intelligence immunodeficiency and lymphoreticular malignancies; Nonsyndromal microcephaly autosomal recessive with normal intelligence. Identifiers: Orphanet 647, MedGen C0398791, MONDO:0009623, OMIM 251260.

Submission:

Labcorp Genetics (formerly Invitae), Labcorp
Classification: Uncertain significance for Microcephaly, normal intelligence and immunodeficiency. Last evaluated: 2022-02-02. Review status: criteria provided, single submitter. Criteria: Invitae Variant Classification Sherloc (09022015). Collection method: clinical testing. Allele origin: germline.
Comment: In summary, the available evidence is currently insufficient to determine the role of this variant in disease. Therefore, it has been classified as a Variant of Uncertain Significance. Experimental studies and prediction algorithms are not available or were not evaluated, and the functional significance of this variant is currently unknown. This variant has not been reported in the literature in individuals affected with NBN-related conditions. This variant is not present in population databases (gnomAD no frequency). This variant, c.1566_1568del, results in the deletion of 1 amino acid(s) of the NBN protein (p.Leu522del), but otherwise preserves the integrity of the reading frame.